The following is an entry in ClinVar:

ClinVar aggregate classification (germline): Uncertain significance (1 of 4 stars; one submission).

Submission:

Labcorp Genetics (formerly Invitae), Labcorp
Classification: Uncertain significance. Last evaluated: 2022-08-21. Review status: criteria provided, single submitter. Criteria: Invitae Variant Classification Sherloc (09022015). Collection method: clinical testing. Allele origin: germline.
Comment: This sequence change falls in intron 21 of the KIAA0556 gene. It does not directly change the encoded amino acid sequence of the KIAA0556 protein. It affects a nucleotide within the consensus splice site. In summary, the available evidence is currently insufficient to determine the role of this variant in disease. Therefore, it has been classified as a Variant of Uncertain Significance. Variants that disrupt the consensus splice site are a relatively common cause of aberrant splicing (PMID: 17576681, 9536098). Algorithms developed to predict the effect of sequence changes on RNA splicing suggest that this variant is not likely to affect RNA splicing. This variant has not been reported in the literature in individuals affected with KIAA0556-related conditions. This variant is not present in population databases (gnomAD no frequency).

Literature cited by the submitters: PubMed 17576681; PubMed 9536098.

NM_015202.5(KATNIP):c.4133+3G>T

Genes: KATNIP (katanin interacting protein; plus strand), LOC126862323 (P300/CBP strongly-dependent group 1 enhancer GRCh37_chr16:27780758-27781957; plus strand). Cytogenetic location: 16p12.1.
Variant type: single nucleotide variant.
Coding change: c.4133+3G>T on transcript NM_015202.5 (MANE Select); 3 bases into the intron after coding-DNA position 4133, G replaced by T.
Molecular consequence: intron variant.
Genome position (GRCh38, 1-based): chr16:27,770,021, G>T. VCF-style: chr16-27770021-G-T. GRCh37 (hg19) VCF-style: chr16-27781342-G-T.
Identifiers: ClinVar variation 1999909 (VCV001999909.4), dbSNP rs1415127729, ClinGen allele CA2580091343.